The following is an entry in ClinVar:

ClinVar aggregate classification (germline): Uncertain significance (1 of 4 stars; one submission).

Conditions:
SRGAP1-related disorder. Also called: SRGAP1-related condition.

Submission:

PreventionGenetics, part of Exact Sciences
Classification: Uncertain significance for SRGAP1-related condition. Last evaluated: 2025-06-19. Review status: criteria provided, single submitter. Criteria: ACMG Guidelines, 2015. Collection method: clinical testing. Allele origin: germline.
Comment: The SRGAP1 c.461T>G variant is predicted to result in premature protein termination (p.Leu154*). To our knowledge, this variant has not been reported in the literature or in a large population database (gnomAD), indicating this variant is rare. Loss-of-function variants in SRGAP1 have not been established as a mechanism of disease; however, evidence from gnomAD suggests that this variant type is not tolerated. At this time, the clinical significance of this variant is uncertain due to the absence of conclusive functional and genetic evidence.

NM_020762.4(SRGAP1):c.461T>G (p.Leu154Ter)

Gene: SRGAP1 (SLIT-ROBO Rho GTPase activating protein 1; plus strand). Cytogenetic location: 12q14.2.
Variant type: single nucleotide variant.
Coding change: c.461T>G on transcript NM_020762.4 (MANE Select); coding-DNA position 461, T replaced by G.
Protein change: p.Leu154Ter; replaces leucine 154 with a stop codon.
Molecular consequence: nonsense.
Genome position (GRCh38, 1-based): chr12:64,016,984, T>G. VCF-style: chr12-64016984-T-G. GRCh37 (hg19) VCF-style: chr12-64410764-T-G.
Other names: c.461T>G, p.Leu154Ter (NM_001346201.2); short protein forms L154*.
Identifiers: ClinVar variation 4982724 (VCV004982724.1).
Genomic context (GRCh38, chr12:64,016,984, plus strand): 5'-TATTCTTTTTTATTTTCTAATTACAGAGCAAAGAGATTGCATTCCAACTTCATGAGGATT[T>G]AATGAAGGTTCTTAATGAGCTTTATACGGTAAGGACATAATCTTTCTTCTTTTCTAGAAT-3'